The following is an entry in ClinVar:

NM_033124.5(DRC2):c.315C>A (p.Asp105Glu)

Gene: DRC2 (dynein regulatory complex subunit 2; plus strand). Cytogenetic location: 12q13.12.
Variant type: single nucleotide variant.
Coding change: c.315C>A on transcript NM_033124.5 (MANE Select); coding-DNA position 315, C replaced by A.
Protein change: p.Asp105Glu; replaces aspartic acid 105 with glutamic acid.
Molecular consequence: missense variant. On other transcripts: 5 prime UTR variant (1).
Genome position (GRCh38, 1-based): chr12:48,914,418, C>A. VCF-style: chr12-48914418-C-A. GRCh37 (hg19) VCF-style: chr12-49308201-C-A.
Other names: c.-115C>A (NM_001286957.2); short protein forms D105E.
Identifiers: ClinVar variation 2061120 (VCV002061120.1), dbSNP rs377105204, ClinGen allele CA6543205.

ClinVar aggregate classification (germline): Uncertain significance (1 of 4 stars; one submission).

Conditions:
Primary ciliary dyskinesia 27. Also called: CILIARY DYSKINESIA, PRIMARY, 27, WITHOUT SITUS INVERSUS. Identifiers: Orphanet 244, MedGen C3809701, MONDO:0014215, OMIM 615504.

Allele frequency attached by ClinVar (database versions not stated): ExAC 0.00001; TOPMed 0.00005; gnomAD 0.00006.
gnomAD v4.1: 36 of 1,610,038 alleles (0.0022%); highest among the groups gnomAD compares: Non-Finnish European, 0.0028%; no homozygotes.

Submission:

Labcorp Genetics (formerly Invitae), Labcorp
Classification: Uncertain significance for Primary ciliary dyskinesia 27. Last evaluated: 2022-09-27. Review status: criteria provided, single submitter. Criteria: Invitae Variant Classification Sherloc (09022015). Collection method: clinical testing. Allele origin: germline.
Comment: This sequence change replaces aspartic acid, which is acidic and polar, with glutamic acid, which is acidic and polar, at codon 105 of the CCDC65 protein (p.Asp105Glu). This variant is present in population databases (rs377105204, gnomAD 0.003%). This variant has not been reported in the literature in individuals affected with CCDC65-related conditions. Algorithms developed to predict the effect of missense changes on protein structure and function are either unavailable or do not agree on the potential impact of this missense change (SIFT: "Deleterious"; PolyPhen-2: "Benign"; Align-GVGD: "Class C0"). In summary, the available evidence is currently insufficient to determine the role of this variant in disease. Therefore, it has been classified as a Variant of Uncertain Significance.